The following is an entry in ClinVar:

NM_182758.4(WDR72):c.1347del (p.Asp450fs)

Gene: WDR72 (WD repeat domain 72; minus strand). Cytogenetic location: 15q21.3.
Variant type: Deletion.
Coding change: c.1347del on transcript NM_182758.4 (MANE Select); coding-DNA position 1347, one base deleted (A; older notation c.1347delA).
Protein change: p.Asp450fs; shifts the reading frame from aspartic acid 450.
Molecular consequence: frameshift variant. On other transcripts: non-coding transcript variant (1).
Genome position (GRCh38, 1-based): chr15:53,704,989, T deleted on the plus strand (A on the coding strand, the reverse complement: WDR72 is on the minus strand); the first of 4 consecutive T bases (chr15:53,704,989-53,704,992); deleting any one gives the same sequence. VCF-style (leftmost placement, unchanged base first): chr15-53704988-CT-C. GRCh37 (hg19) VCF-style: chr15-53997185-CT-C.
Other names: short protein forms D450fs.
Identifiers: ClinVar variation 3350517 (VCV003350517.1).

ClinVar aggregate classification (germline): Likely pathogenic (0 of 4 stars; one submission).

Conditions:
WDR72-related disorder. Also called: WDR72-related condition.

Submission:

PreventionGenetics, part of Exact Sciences
Classification: Likely pathogenic for WDR72-related condition. Last evaluated: 2024-05-27. Review status: no assertion criteria provided. Collection method: clinical testing. Allele origin: germline.
Comment: The WDR72 c.1347delA variant is predicted to result in a frameshift and premature protein termination (p.Asp450Ilefs*28). To our knowledge, this variant has not been reported in the literature. This variant is reported in 0.0053% of alleles in individuals of European (Non-Finnish) descent in gnomAD. Frameshift variants in WDR72 are expected to be pathogenic. This variant is interpreted as likely pathogenic.